The following is an entry in ClinVar:

NM_001876.4(CPT1A):c.1348G>A (p.Asp450Asn)

Genes: CPT1A (carnitine palmitoyltransferase 1A; minus strand), LOC126861244 (BRD4-independent group 4 enhancer GRCh37_chr11:68549035-68550234; plus strand). Cytogenetic location: 11q13.3.
Variant type: single nucleotide variant.
Coding change: c.1348G>A on transcript NM_001876.4 (MANE Select); coding-DNA position 1348, G replaced by A.
Protein change: p.Asp450Asn; replaces aspartic acid 450 with asparagine.
Molecular consequence: missense variant.
Genome position (GRCh38, 1-based): chr11:68,781,775, C>T on the plus strand (G>A on the coding strand, the complement: CPT1A is on the minus strand). VCF-style: chr11-68781775-C-T. GRCh37 (hg19) VCF-style: chr11-68549243-C-T.
Other names: c.1348G>A, p.Asp450Asn (NM_001031847.3); short protein forms D450N.
Identifiers: ClinVar variation 1414801 (VCV001414801.3), dbSNP rs745680805, ClinGen allele CA6152350.
Genomic context (GRCh38, chr11:68,781,775, plus strand): 5'-GTATTTCTTCCAAGCTCATGGGCAAACTCCTGTCTCTCAGAAGGTAAGGACGGTACCTGT[C>T]GTAACATCGGCCGTGTAGTAGAGATTTGGCGTAGCTGTCCATTGACGTATCCGGGTCTTC-3'
Protein context (NP_001867.2, residues 440-460): AKSLLHGRCY[Asp450Asn]RWFDKSFTFV

ClinVar aggregate classification (germline): Uncertain significance (1 of 4 stars; one submission).

Conditions:
Carnitine palmitoyl transferase 1A deficiency. Also called: Carnitine palmitoyltransferase 1A deficiency; CPT deficiency, hepatic, type IA; Carnitine palmitoyltransferase type I deficiency; CPT I DEFICIENCY; CPT DEFICIENCY, HEPATIC, TYPE I. Identifiers: Orphanet 156, MedGen C1829703, MONDO:0009705, OMIM 255120.

Allele frequency attached by ClinVar (database versions not stated): gnomAD exomes below 0.00001 and 0.00001; TOPMed 0.00001; ExAC 0.00002.
gnomAD v4.1: 6 of 1,614,152 alleles (0.00037%); highest among the groups gnomAD compares: East Asian, 0.0022%; no homozygotes.

Submission:

Labcorp Genetics (formerly Invitae), Labcorp
Classification: Uncertain significance for Carnitine palmitoyl transferase 1A deficiency. Last evaluated: 2022-08-23. Review status: criteria provided, single submitter. Criteria: Invitae Variant Classification Sherloc (09022015). Collection method: clinical testing. Allele origin: germline.
Comment: This sequence change replaces aspartic acid, which is acidic and polar, with asparagine, which is neutral and polar, at codon 450 of the CPT1A protein (p.Asp450Asn). This variant is present in population databases (rs745680805, gnomAD 0.007%). This variant has not been reported in the literature in individuals affected with CPT1A-related conditions. ClinVar contains an entry for this variant (Variation ID: 1414801). Algorithms developed to predict the effect of missense changes on protein structure and function (SIFT, PolyPhen-2, Align-GVGD) all suggest that this variant is likely to be tolerated. In summary, the available evidence is currently insufficient to determine the role of this variant in disease. Therefore, it has been classified as a Variant of Uncertain Significance.